The following is an entry in ClinVar:

ClinVar aggregate classification (germline): Uncertain significance (1 of 4 stars; one submission).

Conditions:
Inborn genetic diseases. Identifiers: MedGen C0950123, MeSH D030342.

Allele frequency attached by ClinVar (database versions not stated): TOPMed below 0.00001; ExAC 0.00001; gnomAD exomes 0.00001.
gnomAD v4.1: 5 of 1,578,872 alleles (0.00032%); highest among the groups gnomAD compares: Admixed American, 0.0075%; no homozygotes.

Submission:

Ambry Genetics
Classification: Uncertain significance for Inborn genetic diseases. Last evaluated: 2021-03-15. Review status: criteria provided, single submitter. Criteria: Ambry Variant Classification Scheme 2023. Collection method: clinical testing. Allele origin: germline.
Comment: The c.160C>T (p.P54S) alteration is located in exon 2 (coding exon 1) of the C12orf4 gene. This alteration results from a C to T substitution at nucleotide position 160, causing the proline (P) at amino acid position 54 to be replaced by a serine (S). The p.P54S alteration is predicted to be deleterious by in silico analysis. Based on insufficient or conflicting evidence, the clinical significance of this alteration remains unclear.

NM_020374.4(FERRY3):c.160C>T (p.Pro54Ser)

Gene: FERRY3 (FERRY endosomal RAB5 effector complex subunit 3; minus strand). Cytogenetic location: 12p13.32.
Variant type: single nucleotide variant.
Coding change: c.160C>T on transcript NM_020374.4 (MANE Select); coding-DNA position 160, C replaced by T.
Protein change: p.Pro54Ser; replaces proline 54 with serine.
Molecular consequence: missense variant. On other transcripts: intron variant (3), non-coding transcript variant (2).
Genome position (GRCh38, 1-based): chr12:4,536,035, G>A on the plus strand (C>T on the coding strand, the complement: FERRY3 is on the minus strand). VCF-style: chr12-4536035-G-A. GRCh37 (hg19) VCF-style: chr12-4645201-G-A.
Other names: c.-567-1733C>T (NM_001352962.2); c.-341-1733C>T (NM_001346157.2, NM_001346156.2); c.160C>T, p.Pro54Ser (NM_001304811.2, NM_001346153.2, NM_001346155.2); short protein forms P54S.
Identifiers: ClinVar variation 2399862 (VCV002399862.2), dbSNP rs779757556, ClinGen allele CA6396433.